The following is an entry in ClinVar:

NM_017780.4(CHD7):c.5833C>T (p.Arg1945Ter)

Gene: CHD7 (chromodomain helicase DNA binding protein 7; plus strand). Cytogenetic location: 8q12.2.
Variant type: single nucleotide variant.
Coding change: c.5833C>T on transcript NM_017780.4 (MANE Select); coding-DNA position 5833, C replaced by T.
Protein change: p.Arg1945Ter; replaces arginine 1945 with a stop codon.
Molecular consequence: nonsense. On other transcripts: intron variant (1).
Genome position (GRCh38, 1-based): chr8:60,852,186, C>T. VCF-style: chr8-60852186-C-T. GRCh37 (hg19) VCF-style: chr8-61764745-C-T.
Other names: c.5833C>T (LRG_176t1); c.1717-10043C>T (NM_001316690.1); short protein forms R1945*.
Identifiers: ClinVar variation 267434 (VCV000267434.49), dbSNP rs757160222, ClinGen allele CA10602501.

ClinVar aggregate classification (germline): Pathogenic. Review status: criteria provided, multiple submitters, no conflicts (2 of 4 stars). 6 submissions from 6 submitters: Pathogenic (6). Last evaluated 2025-09-10.

Conditions:
CHARGE syndrome (CHARGE). Also called: Hittner Hirsch Kreh syndrome; Coloboma, heart anomaly, choanal atresia, retardation, genital and ear anomalies; CHARGE association; Hall-Hittner syndrome; CHARGE ASSOCIATION--COLOBOMA, HEART ANOMALY, CHOANAL ATRESIA, RETARDATION, GENITAL AND EAR ANOMALIES. Identifiers: Orphanet 138, MedGen C0265354, MONDO:0008965.
CHD7-related CHARGE syndrome. Identifiers: MedGen CN380413, MONDO:1010178, OMIM 214800.

Submissions (6):

Genetics and Genomic Medicine Centre, NeuroGen Healthcare, NeuroGen Healthcare
Classification: Pathogenic for CHD7-related CHARGE syndrome. Last evaluated: 2025-09-10. Review status: criteria provided, single submitter. Criteria: ACMG Guidelines, 2015. Collection method: clinical testing. Allele origin: unknown. Affected: yes.

Labcorp Genetics (formerly Invitae), Labcorp
Classification: Pathogenic for CHARGE syndrome. Last evaluated: 2025-04-02. Review status: criteria provided, single submitter. Criteria: Invitae Variant Classification Sherloc (09022015). Collection method: clinical testing. Allele origin: germline.
Comment: This sequence change creates a premature translational stop signal (p.Arg1945*) in the CHD7 gene. It is expected to result in an absent or disrupted protein product. Loss-of-function variants in CHD7 are known to be pathogenic (PMID: 22461308, 25077900). This variant is not present in population databases (gnomAD no frequency). This premature translational stop signal has been observed in individual(s) with CHARGE syndrome (PMID: 16155193, 16400610, 21158681). In at least one individual the variant was observed to be de novo. ClinVar contains an entry for this variant (Variation ID: 267434). For these reasons, this variant has been classified as Pathogenic.

GeneDx
Classification: Pathogenic. Last evaluated: 2024-09-09. Review status: criteria provided, single submitter. Criteria: GeneDx Variant Classification Process June 2021. Collection method: clinical testing. Allele origin: germline. Affected: yes.
Comment: Apparently de novo variant in a patient with multiple congenital anomalies (PMID: 16155193); Nonsense variant predicted to result in protein truncation or nonsense mediated decay in a gene for which loss of function is a known mechanism of disease; Not observed at significant frequency in large population cohorts (gnomAD); This variant is associated with the following publications: (PMID: 25525159, 16400610, 32804436, 32754152, 16155193, 35015700, 32978145, 27321065)

CeGaT Center for Human Genetics Tuebingen
Classification: Pathogenic. Last evaluated: 2023-11-01. Review status: criteria provided, single submitter. Criteria: CeGaT Center For Human Genetics Tuebingen Variant Classification Criteria Version 2. Collection method: clinical testing. Allele origin: germline. Affected: yes. Observed: 2 variant alleles.
Comment: CHD7: PVS1, PS2, PS4, PM2

Genomic Diagnostic Laboratory, Division of Genomic Diagnostics, Children's Hospital of Philadelphia
Classification: Pathogenic for CHARGE syndrome. Last evaluated: 2016-09-07. Review status: criteria provided, single submitter. Criteria: DGD Variant Analysis Guidelines. Collection method: clinical testing. Allele origin: germline. Affected: yes. Observed: 1 variant allele.
Comment: Clinical Testing

Kasturba Medical College, Manipal, Kasturba Medical College, Manipal, Manipal Academy of Higher Education, Manipal, India
Classification: Pathogenic for CHD7-related CHARGE syndrome. Review status: criteria provided, single submitter. Criteria: ACMG Guidelines, 2015. Collection method: clinical testing. Allele origin: de novo. Inheritance: Autosomal dominant inheritance. Affected: yes. Observed: 1 heterozygote.
Comment: This variant is predicted to introduce premature stop codon that may result in a truncated protein or transcript codon that may undergo nonsense-mediated mRNA decay.

Literature cited by the submitters: PubMed 22461308 (cited by Labcorp Genetics (formerly Invitae), Labcorp); PubMed 25077900 (cited by Labcorp Genetics (formerly Invitae), Labcorp); PubMed 16155193 (cited by Labcorp Genetics (formerly Invitae), Labcorp); PubMed 16400610 (cited by Labcorp Genetics (formerly Invitae), Labcorp); PubMed 21158681 (cited by Labcorp Genetics (formerly Invitae), Labcorp).